The following is an entry in ClinVar:

NM_000051.4(ATM):c.2253T>A (p.Ser751=)

Gene: ATM (ATM serine/threonine kinase; plus strand). Cytogenetic location: 11q22.3.
Variant type: single nucleotide variant.
Coding change: c.2253T>A on transcript NM_000051.4 (MANE Select); coding-DNA position 2253, T replaced by A.
Protein change: p.Ser751=; no amino-acid change (serine 751 retained).
Molecular consequence: synonymous variant.
Genome position (GRCh38, 1-based): chr11:108,257,483, T>A. VCF-style: chr11-108257483-T-A. GRCh37 (hg19) VCF-style: chr11-108128210-T-A.
Other names: c.2253T>A, p.Ser751= (NM_001351834.2).
Identifiers: ClinVar variation 2642357 (VCV002642357.24), dbSNP rs2497382937, ClinGen allele CA476672598.

ClinVar aggregate classification (germline): Likely benign (1 of 4 stars; one submission).

Submission:

CeGaT Center for Human Genetics Tuebingen
Classification: Likely benign. Last evaluated: 2023-07-01. Review status: criteria provided, single submitter. Criteria: CeGaT Center For Human Genetics Tuebingen Variant Classification Criteria Version 2. Collection method: clinical testing. Allele origin: germline. Affected: yes. Observed: 1 variant allele.
Comment: ATM: PM2:Supporting, BP4, BP7